The following is an entry in ClinVar:

NM_000702.4(ATP1A2):c.701C>T (p.Pro234Leu)

Genes: ATP1A2 (ATPase Na+/K+ transporting subunit alpha 2; plus strand), LOC126805890 (CDK7 strongly-dependent group 2 enhancer GRCh37_chr1:160093987-160095186; plus strand). Cytogenetic location: 1q23.2.
Variant type: single nucleotide variant.
Coding change: c.701C>T on transcript NM_000702.4 (MANE Select); coding-DNA position 701, C replaced by T.
Protein change: p.Pro234Leu; replaces proline 234 with leucine.
Molecular consequence: missense variant.
Genome position (GRCh38, 1-based): chr1:160,125,206, C>T. VCF-style: chr1-160125206-C-T. GRCh37 (hg19) VCF-style: chr1-160094996-C-T.
Other names: short protein forms P234L.
Identifiers: ClinVar variation 2136230 (VCV002136230.1), dbSNP rs2524859456, ClinGen allele CA343235449.

ClinVar aggregate classification (germline): Uncertain significance (1 of 4 stars; one submission).

Submission:

GeneDx
Classification: Uncertain significance. Last evaluated: 2022-07-18. Review status: criteria provided, single submitter. Criteria: GeneDx Variant Classification Process June 2021. Collection method: clinical testing. Allele origin: germline. Affected: yes.
Comment: Not observed at significant frequency in large population cohorts (gnomAD); In silico analysis supports that this missense variant has a deleterious effect on protein structure/function; Has not been previously published as pathogenic or benign to our knowledge